The following is an entry in ClinVar:

ClinVar aggregate classification (germline): Uncertain significance (1 of 4 stars; one submission).

Allele frequency attached by ClinVar (database versions not stated): TOPMed below 0.00001; ExAC 0.00004; gnomAD exomes 0.00004.
gnomAD v4.1: 29 of 1,612,890 alleles (0.0018%); highest among the groups gnomAD compares: South Asian, 0.029%; no homozygotes.

Submission:

Labcorp Genetics (formerly Invitae), Labcorp
Classification: Uncertain significance. Last evaluated: 2023-02-14. Review status: criteria provided, single submitter. Criteria: Invitae Variant Classification Sherloc (09022015). Collection method: clinical testing. Allele origin: germline.
Comment: This sequence change falls in intron 17 of the COL9A3 gene. It does not directly change the encoded amino acid sequence of the COL9A3 protein. It affects a nucleotide within the consensus splice site. In summary, the available evidence is currently insufficient to determine the role of this variant in disease. Therefore, it has been classified as a Variant of Uncertain Significance. Variants that disrupt the consensus splice site are a relatively common cause of aberrant splicing (PMID: 17576681, 9536098). Algorithms developed to predict the effect of sequence changes on RNA splicing suggest that this variant may disrupt the consensus splice site. ClinVar contains an entry for this variant (Variation ID: 1398372). This variant has not been reported in the literature in individuals affected with COL9A3-related conditions. This variant is present in population databases (rs376468183, gnomAD 0.03%).

Literature cited by the submitters: PubMed 17576681; PubMed 9536098.

NM_001853.4(COL9A3):c.900+3G>T

Gene: COL9A3 (collagen type IX alpha 3 chain; plus strand). Cytogenetic location: 20q13.33.
Variant type: single nucleotide variant.
Coding change: c.900+3G>T on transcript NM_001853.4 (MANE Select); 3 bases into the intron after coding-DNA position 900, G replaced by T.
Molecular consequence: intron variant.
Genome position (GRCh38, 1-based): chr20:62,827,979, G>T. VCF-style: chr20-62827979-G-T. GRCh37 (hg19) VCF-style: chr20-61459331-G-T.
Identifiers: ClinVar variation 1398372 (VCV001398372.7), dbSNP rs376468183, ClinGen allele CA9949581.
Genomic context (GRCh38, chr20:62,827,979, plus strand): 5'-CTAGGGCAGACCTGGTCCCAAGGGAACCCCCGGAGTGGCCGGGCCAAGCGGAGAGCCGGT[G>T]AGTGCACGTGGCTGCTCATGGAATGCTCCTCCCCCGGGTCCTGGGTATGTACAGGTGGAG-3'